The following is an entry in ClinVar:

NM_000352.6(ABCC8):c.3502T>C (p.Leu1168=)

Gene: ABCC8 (ATP binding cassette subfamily C member 8; minus strand). Cytogenetic location: 11p15.1.
Variant type: single nucleotide variant.
Coding change: c.3502T>C on transcript NM_000352.6 (MANE Select); coding-DNA position 3502, T replaced by C.
Protein change: p.Leu1168=; no amino-acid change (leucine 1168 retained).
Molecular consequence: synonymous variant. On other transcripts: non-coding transcript variant (1).
Genome position (GRCh38, 1-based): chr11:17,404,567, A>G on the plus strand (T>C on the coding strand, the complement: ABCC8 is on the minus strand). VCF-style: chr11-17404567-A-G. GRCh37 (hg19) VCF-style: chr11-17426114-A-G.
Other names: c.3505T>C, p.Leu1169= (NM_001287174.3); c.3568T>C, p.Leu1190= (NM_001351295.2); c.3502T>C, p.Leu1168= (NM_001351296.2); c.3499T>C, p.Leu1167= (NM_001351297.2).
Identifiers: ClinVar variation 990388 (VCV000990388.11), dbSNP rs565968675, ClinGen allele CA218417282.

ClinVar aggregate classification (germline): Conflicting classifications of pathogenicity. Review status: criteria provided, conflicting classifications (1 of 4 stars). 4 submissions from 3 submitters: Uncertain significance (2); Likely benign (1). 1 of the submissions does not count toward it. Last evaluated 2024-02-19.

Conditions:
Maturity-onset diabetes of the young (MODY). Also called: Maturity onset diabetes mellitus in young. Identifiers: Orphanet 552, MedGen C0342276, MONDO:0018911, HP:0004904.
Hereditary hyperinsulinism.
Transitory neonatal diabetes mellitus. Also called: Transient neonatal diabetes mellitus. Identifiers: MedGen C0342273, MONDO:0020525, HP:0008255.

Allele frequency attached by ClinVar (database versions not stated): gnomAD exomes below 0.00001; gnomAD 0.00001; 1000 Genomes Project 30x 0.00016; 1000 Genomes Project 0.00020.
gnomAD v4.1: 1 of 1,614,080 alleles (0.000062%); highest among the groups gnomAD compares: East Asian, 0.0022%; no homozygotes.

Submissions (4):

Labcorp Genetics (formerly Invitae), Labcorp
Classification: Likely benign. Last evaluated: 2024-02-19. Review status: criteria provided, single submitter. Criteria: Invitae Variant Classification Sherloc (09022015). Collection method: clinical testing. Allele origin: germline.

Clinical Genomics, Uppaluri K&H Personalized Medicine Clinic
Classification: Uncertain significance for Maturity-onset diabetes of the young. Review status: criteria provided, single submitter. Criteria: K & H Uppaluri Personalized Medicine Clinic Variant Classification & Assertion Criteria_Updated V.1. Collection method: research. Allele origin: somatic. Inheritance: Somatic mutation.
Comment: Mutations in ABCC8 gene are associated with both neonatal diabetes mellitus as well as MODY. Patients with this mutation may have a better response to sulfonylureas. However, no sufficient evidence is found to ascertain the role of this particular variant ( rs565968675) in MODY yet.

Clinical Genomics, Uppaluri K&H Personalized Medicine Clinic
Classification: Uncertain significance for Transitory neonatal diabetes mellitus. Review status: criteria provided, single submitter. Criteria: K & H Uppaluri Personalized Medicine Clinic Variant Classification & Assertion Criteria_Updated V.1. Collection method: research. Allele origin: somatic. Inheritance: Somatic mutation.
Comment: Mutations in ABCC8 gene are associated with both neonatal diabetes mellitus as well as MODY. Patients with this mutation may have a better response to sulfonylureas. However, no sufficient evidence is found to ascertain the role of this particular variant ( rs565968675) in neonatal diabetes yet.

Natera, Inc.
Classification: Uncertain significance for Hereditary hyperinsulinism. Last evaluated: 2020-04-10. Review status: no assertion criteria provided. Collection method: clinical testing. Allele origin: germline. Not counted in ClinVar's aggregate classification.

Literature cited by the submitters: PubMed 16885549 (cited by Clinical Genomics, Uppaluri K&H Personalized Medicine Clinic); PubMed 21989597 (cited by Clinical Genomics, Uppaluri K&H Personalized Medicine Clinic); PubMed 27538677 (cited by Clinical Genomics, Uppaluri K&H Personalized Medicine Clinic); PubMed 18981553 (cited by Clinical Genomics, Uppaluri K&H Personalized Medicine Clinic); PubMed 32027066 (cited by Clinical Genomics, Uppaluri K&H Personalized Medicine Clinic); PubMed 16613899 (cited by Clinical Genomics, Uppaluri K&H Personalized Medicine Clinic); PubMed 18025408 (cited by Clinical Genomics, Uppaluri K&H Personalized Medicine Clinic); PubMed 32792356 (cited by Clinical Genomics, Uppaluri K&H Personalized Medicine Clinic).